The following is an entry in ClinVar:

NM_000038.6(APC):c.835-5435A>G

Gene: APC (APC regulator of WNT signaling pathway; plus strand). Cytogenetic location: 5q22.2.
Variant type: single nucleotide variant.
Coding change: c.835-5435A>G on transcript NM_000038.6 (MANE Select); 5435 bases into the intron before coding-DNA position 835, A replaced by G.
Molecular consequence: intron variant.
Genome position (GRCh38, 1-based): chr5:112,810,060, A>G. VCF-style: chr5-112810060-A-G. GRCh37 (hg19) VCF-style: chr5-112145757-A-G.
Other names: c.835-5435A>G (NM_001354895.2, NM_001127510.3, NM_001354896.2 and 1 more transcripts); c.865-5435A>G (NM_001354897.2, NM_001354902.2); c.781-5435A>G (NM_001127511.3); c.760-5435A>G (NM_001354898.2, NM_001354904.2); c.-201-66A>G (NM_001354906.2); c.751-5435A>G (NM_001354899.2); c.658-5435A>G (NM_001354900.2, NM_001354901.2, NM_001354905.2).
Identifiers: ClinVar variation 83077 (VCV000083077.2), dbSNP rs77646685, ClinGen allele CA015296.

ClinVar aggregate classification (germline): other (0 of 4 stars; one submission).

Conditions:
Familial colorectal cancer. Identifiers: MedGen CN280943, MONDO:0023113. Disease mechanism: loss of function.

gnomAD v4.1: 1 of 448,156 alleles (0.00022%); no homozygotes.

Submission:

Systems Biology Platform Zhejiang California International NanoSystems Institute
Classification: other for Familial colorectal cancer. Review status: no assertion criteria provided. Collection method: not provided. Allele origin: unknown.
ClinVar note: Converted during submission from cancer to other.